The following is an entry in ClinVar:

NM_020937.4(FANCM):c.4274G>A (p.Arg1425Lys)

Gene: FANCM (FA complementation group M; plus strand). Cytogenetic location: 14q21.2.
Variant type: single nucleotide variant.
Coding change: c.4274G>A on transcript NM_020937.4 (MANE Select); coding-DNA position 4274, G replaced by A.
Protein change: p.Arg1425Lys; replaces arginine 1425 with lysine.
Molecular consequence: missense variant.
Genome position (GRCh38, 1-based): chr14:45,181,481, G>A. VCF-style: chr14-45181481-G-A. GRCh37 (hg19) VCF-style: chr14-45650684-G-A.
Other names: c.4196G>A, p.Arg1399Lys (NM_001308133.2); short protein forms R1425K, R1399K.
Identifiers: ClinVar variation 1383242 (VCV001383242.6), dbSNP rs2139270169, ClinGen allele CA389607056.
Genomic context (GRCh38, chr14:45,181,481, plus strand): 5'-AAATTATAGATGGACAATTATTAACAAGTAACGAAAGTGAAGATGACGAGATTTTCCGAA[G>A]AAAAGTTAAAAGAGCAAAAGGAAATGTTTTAAACTCTCCTGAGGTGAGTCATTCAGTAAT-3'
Protein context (NP_065988.1, residues 1415-1435): NESEDDEIFR[Arg1425Lys]KVKRAKGNVL

ClinVar aggregate classification (germline): Uncertain significance (1 of 4 stars; one submission).

Conditions:
Fanconi anemia (FA). Also called: Fanconi's anemia. Identifiers: Orphanet 84, MedGen C0015625, MeSH D005199, MONDO:0019391.

Submission:

Labcorp Genetics (formerly Invitae), Labcorp
Classification: Uncertain significance for Fanconi anemia. Last evaluated: 2021-09-25. Review status: criteria provided, single submitter. Criteria: Invitae Variant Classification Sherloc (09022015). Collection method: clinical testing. Allele origin: germline.
Comment: In summary, the available evidence is currently insufficient to determine the role of this variant in disease. Therefore, it has been classified as a Variant of Uncertain Significance. Algorithms developed to predict the effect of missense changes on protein structure and function are either unavailable or do not agree on the potential impact of this missense change (SIFT: "Tolerated"; PolyPhen-2: "Possibly Damaging"; Align-GVGD: "Class C0"). This variant has not been reported in the literature in individuals affected with FANCM-related conditions. This variant is not present in population databases (ExAC no frequency). This sequence change replaces arginine with lysine at codon 1425 of the FANCM protein (p.Arg1425Lys). The arginine residue is moderately conserved and there is a small physicochemical difference between arginine and lysine.